The following is an entry in ClinVar:

ClinVar aggregate classification (germline): Uncertain significance. Review status: criteria provided, multiple submitters, no conflicts (2 of 4 stars). 2 submissions from 2 submitters: Uncertain significance (2). Last evaluated 2025-12-02.

Conditions:
Colorectal cancer, hereditary nonpolyposis, type 7. Identifiers: Orphanet 144, MedGen C1858380, MONDO:0013725, OMIM 614385.

Submissions (2):

Labcorp Genetics (formerly Invitae), Labcorp
Classification: Uncertain significance for Colorectal cancer, hereditary nonpolyposis, type 7. Last evaluated: 2025-12-02. Review status: criteria provided, single submitter. Criteria: Invitae Variant Classification Sherloc (09022015). Collection method: clinical testing. Allele origin: germline.
Comment: This sequence change replaces asparagine, which is neutral and polar, with lysine, which is basic and polar, at codon 962 of the MLH3 protein (p.Asn962Lys). This variant is not present in population databases (gnomAD no frequency). This variant has not been reported in the literature in individuals affected with MLH3-related conditions. ClinVar contains an entry for this variant (Variation ID: 1797224). An algorithm developed to predict the effect of missense changes on protein structure and function (PolyPhen-2) suggests that this variant is likely to be tolerated. In summary, the available evidence is currently insufficient to determine the role of this variant in disease. Therefore, it has been classified as a Variant of Uncertain Significance.

Ambry Genetics
Classification: Uncertain significance. Last evaluated: 2024-01-03. Review status: criteria provided, single submitter. Criteria: Ambry Variant Classification Scheme 2023. Collection method: clinical testing. Allele origin: germline.
Comment: The p.N962K variant (also known as c.2886C>G), located in coding exon 1 of the MLH3 gene, results from a C to G substitution at nucleotide position 2886. The asparagine at codon 962 is replaced by lysine, an amino acid with similar properties. This amino acid position is conserved. In addition, this alteration is predicted to be tolerated by in silico analysis. Since supporting evidence is limited at this time, the clinical significance of this alteration remains unclear.

NM_001040108.2(MLH3):c.2886C>G (p.Asn962Lys)

Gene: MLH3 (mutL homolog 3; minus strand). Cytogenetic location: 14q24.3.
Variant type: single nucleotide variant.
Coding change: c.2886C>G on transcript NM_001040108.2 (MANE Select); coding-DNA position 2886, C replaced by G.
Protein change: p.Asn962Lys; replaces asparagine 962 with lysine.
Molecular consequence: missense variant.
Genome position (GRCh38, 1-based): chr14:75,046,770, G>C on the plus strand (C>G on the coding strand, the complement: MLH3 is on the minus strand). VCF-style: chr14-75046770-G-C. GRCh37 (hg19) VCF-style: chr14-75513473-G-C.
Other names: c.2886C>G, p.Asn962Lys (NM_014381.3); short protein forms N962K.
Identifiers: ClinVar variation 1797224 (VCV001797224.3), dbSNP rs2139553794, ClinGen allele CA390437771.
Genomic context (GRCh38, chr14:75,046,770, plus strand): 5'-TTTACCGGTAACTTTAGAATTATTATAGGGCAATACCAAAGGAGTTTCTGATATCACACA[G>C]TTCTCTGTTGTATTGCTGTTAGAATGTGTTTTACTATTTTTATTAAAGGAATTATCCTGT-3'
Protein context (NP_001035197.1, residues 952-972): KTHSNSNTTE[Asn962Lys]CVISETPLVL